The following is an entry in ClinVar:

NM_000368.5(TSC1):c.2626-3C>T

Gene: TSC1 (TSC complex subunit 1; minus strand). Cytogenetic location: 9q34.13.
Variant type: single nucleotide variant.
Coding change: c.2626-3C>T on transcript NM_000368.5 (MANE Select); 3 bases into the intron before coding-DNA position 2626, C replaced by T.
Molecular consequence: intron variant.
Genome position (GRCh38, 1-based): chr9:132,897,613, G>A on the plus strand (C>T on the coding strand, the complement: TSC1 is on the minus strand). VCF-style: chr9-132897613-G-A. GRCh37 (hg19) VCF-style: chr9-135773000-G-A.
Other names: c.2263-3C>T (NM_001362177.2); c.2473-3C>T (NM_001162427.2); c.2623-3C>T (NM_001162426.2).
Identifiers: ClinVar variation 411211 (VCV000411211.43), dbSNP rs1060503192, ClinGen allele CA16612736.
Genomic context (GRCh38, chr9:132,897,613, plus strand): 5'-CATGGCTTCTGTTTTTTTCTAGCTCTTTCCGATAGGCGGCTTTCATCATTTCTACTTCCT[G>A]AAAAAAAAAAAAAAAAAAGACTGGAATTAGTACTTATAAAAAATAAACATGCTGTATCCA-3'

ClinVar aggregate classification (germline): Conflicting classifications of pathogenicity. Review status: criteria provided, conflicting classifications (1 of 4 stars). 10 submissions from 10 submitters: Uncertain significance (3); Benign (1); Likely benign (3). 3 of the submissions do not count toward it. Last evaluated 2023-09-01.

Conditions:
TSC1-related disorder. Also called: TSC1-related condition.
Hereditary cancer-predisposing syndrome. Also called: Tumor predisposition; Hereditary neoplastic syndrome; Hereditary Cancer Syndrome; Neoplastic Syndromes, Hereditary. Identifiers: Orphanet 140162, MedGen C0027672, MeSH D009386, MONDO:0015356.
Tuberous sclerosis syndrome (TSC). Also called: Tuberous Sclerosis Complex; Tuberous sclerosis. Identifiers: Orphanet 805, MedGen C0041341, MONDO:0001734.
Tuberous sclerosis 1 (TSC1). Identifiers: Orphanet 805, MedGen C1854465, MONDO:0008612, OMIM 191100.

Allele frequency attached by ClinVar (database versions not stated): gnomAD 0.00602 and 0.00608.

Submissions (19):

CeGaT Center for Human Genetics Tuebingen
Classification: Likely benign. Last evaluated: 2023-09-01. Review status: criteria provided, single submitter. Criteria: CeGaT Center For Human Genetics Tuebingen Variant Classification Criteria Version 2. Collection method: clinical testing. Allele origin: germline. Affected: yes. Observed: 9 variant alleles.
Comment: TSC1: BP4, BS1

Genome-Nilou Lab
Classification: Uncertain significance for Tuberous sclerosis 1. Last evaluated: 2021-11-07. Review status: criteria provided, single submitter. Criteria: ACMG Guidelines, 2015. Collection method: clinical testing. Allele origin: germline. Affected: no.

Institute for Clinical Genetics, University Hospital TU Dresden, University Hospital TU Dresden
Classification: Uncertain significance. Last evaluated: 2021-11-03. Review status: criteria provided, single submitter. Criteria: ACMG Guidelines, 2015. Collection method: clinical testing. Allele origin: germline.

Ambry Genetics
Classification: Benign for Hereditary cancer-predisposing syndrome. Last evaluated: 2020-07-23. Review status: criteria provided, single submitter. Criteria: Ambry Variant Classification Scheme 2023. Collection method: clinical testing. Allele origin: germline.

Mendelics
Classification: Likely benign for Tuberous sclerosis 1. Last evaluated: 2019-05-28. Review status: criteria provided, single submitter. Criteria: Mendelics Assertion Criteria 2017. Collection method: clinical testing. Allele origin: unknown.

Color Diagnostics, LLC DBA Color Health
Classification: Likely benign for Tuberous sclerosis syndrome. Last evaluated: 2018-03-05. Review status: criteria provided, single submitter. Criteria: ACMG Guidelines, 2015. Collection method: clinical testing. Allele origin: germline.

Labcorp Genetics (formerly Invitae), Labcorp
Classification: Uncertain significance for Tuberous sclerosis 1. Last evaluated: 2018-01-17. Review status: criteria provided, single submitter. Criteria: Invitae Variant Classification Sherloc (09022015). Collection method: clinical testing. Allele origin: germline.

PreventionGenetics, part of Exact Sciences
Classification: Benign for TSC1-related condition. Last evaluated: 2020-12-09. Review status: no assertion criteria provided. Collection method: clinical testing. Allele origin: germline. Not counted in ClinVar's aggregate classification.
Comment: This variant is classified as benign based on ACMG/AMP sequence variant interpretation guidelines (Richards et al. 2015 PMID: 25741868, with internal and published modifications).

Clinical Genetics DNA and cytogenetics Diagnostics Lab, Erasmus MC, Erasmus Medical Center
Classification: Likely benign. Review status: no assertion criteria provided. Collection method: clinical testing. Allele origin: germline. Affected: yes. Study: VKGL Data-share Consensus. Not counted in ClinVar's aggregate classification.

Dr. Peter K. Rogan Lab, Western University
No classification provided (evidence only). Condition: Familial cancer of breast. Review status: no classification provided. Collection method: in vitro. Allele origin: not applicable. Functional consequence: retained intron. Not counted in ClinVar's aggregate classification.

Dr. Peter K. Rogan Lab, Western University
No classification provided (evidence only). Condition: Familial cancer of breast. Review status: no classification provided. Collection method: in vitro. Allele origin: not applicable. Functional consequence: retained intron. Not counted in ClinVar's aggregate classification.

Dr. Peter K. Rogan Lab, Western University
No classification provided (evidence only). Condition: Familial cancer of breast. Review status: no classification provided. Collection method: in vitro. Allele origin: not applicable. Functional consequence: retained intron. Not counted in ClinVar's aggregate classification.

Dr. Peter K. Rogan Lab, Western University
No classification provided (evidence only). Condition: Acute myeloid leukemia. Review status: no classification provided. Collection method: in vitro. Allele origin: not applicable. Functional consequence: retained intron. Not counted in ClinVar's aggregate classification.

Dr. Peter K. Rogan Lab, Western University
No classification provided (evidence only). Condition: Cholangiocarcinoma. Review status: no classification provided. Collection method: in vitro. Allele origin: not applicable. Functional consequence: retained intron. Not counted in ClinVar's aggregate classification.

Dr. Peter K. Rogan Lab, Western University
No classification provided (evidence only). Condition: Cholangiocarcinoma. Review status: no classification provided. Collection method: in vitro. Allele origin: not applicable. Functional consequence: retained intron. Not counted in ClinVar's aggregate classification.

Dr. Peter K. Rogan Lab, Western University
No classification provided (evidence only). Condition: Cholangiocarcinoma. Review status: no classification provided. Collection method: in vitro. Allele origin: not applicable. Functional consequence: retained intron. Not counted in ClinVar's aggregate classification.

Dr. Peter K. Rogan Lab, Western University
No classification provided (evidence only). Condition: Cholangiocarcinoma. Review status: no classification provided. Collection method: in vitro. Allele origin: not applicable. Functional consequence: retained intron. Not counted in ClinVar's aggregate classification.

Dr. Peter K. Rogan Lab, Western University
No classification provided (evidence only). Condition: Cholangiocarcinoma. Review status: no classification provided. Collection method: in vitro. Allele origin: not applicable. Functional consequence: retained intron. Not counted in ClinVar's aggregate classification.

Genome Diagnostics Laboratory, University Medical Center Utrecht
Classification: Likely benign. Review status: no assertion criteria provided. Collection method: clinical testing. Allele origin: germline. Affected: yes. Study: VKGL Data-share Consensus. Not counted in ClinVar's aggregate classification.